The following is an entry in ClinVar:

ClinVar aggregate classification (germline): Conflicting classifications of pathogenicity. Review status: criteria provided, conflicting classifications (1 of 4 stars). 3 submissions from 3 submitters: Uncertain significance (1); Benign (1); Likely benign (1). Last evaluated 2025-09-08.

Allele frequency attached by ClinVar (database versions not stated): TOPMed 0.00021; ESP Exome Variant Server 0.00031.

Submissions (3):

GeneDx
Classification: Uncertain significance. Last evaluated: 2025-09-08. Review status: criteria provided, single submitter. Criteria: GeneDx Variant Classification Process June 2021. Collection method: clinical testing. Allele origin: germline. Affected: yes.
Comment: Has not been previously published as pathogenic or benign to our knowledge; In silico analysis supports that this missense variant has a deleterious effect on protein structure/function

Labcorp Genetics (formerly Invitae), Labcorp
Classification: Benign. Last evaluated: 2025-05-07. Review status: criteria provided, single submitter. Criteria: Invitae Variant Classification Sherloc (09022015). Collection method: clinical testing. Allele origin: germline.

Laboratory for Molecular Medicine, Mass General Brigham Personalized Medicine
Classification: Likely benign. Last evaluated: 2015-07-30. Review status: criteria provided, single submitter. Criteria: LMM Criteria. Collection method: clinical testing. Allele origin: germline. Observed: 2 variant alleles.
Comment: p.Arg480Leu in exon 12 of HARS2: This variant is not expected to have clinical s ignificance because it has been identified in 35/66602 (0.05%) of European chrom osomes by the Exome Aggregation Consortium (dbSN P rs200089613).

NM_012208.4(HARS2):c.1439G>T (p.Arg480Leu)

Gene: HARS2 (histidyl-tRNA synthetase 2, mitochondrial; plus strand). Cytogenetic location: 5q31.3.
Variant type: single nucleotide variant.
Coding change: c.1439G>T on transcript NM_012208.4 (MANE Select); coding-DNA position 1439, G replaced by T.
Protein change: p.Arg480Leu; replaces arginine 480 with leucine.
Molecular consequence: missense variant.
Genome position (GRCh38, 1-based): chr5:140,698,056, G>T. VCF-style: chr5-140698056-G-T. GRCh37 (hg19) VCF-style: chr5-140077641-G-T.
Other names: c.1364G>T, p.Arg455Leu (NM_001278731.2); c.1007G>T, p.Arg336Leu (NM_001278732.2); c.1457G>T, p.Arg486Leu (NM_001363535.2); c.1229G>T, p.Arg410Leu (NM_001363536.2); short protein forms R480L, R410L, R336L, R455L, R486L.
Identifiers: ClinVar variation 227426 (VCV000227426.16), dbSNP rs200089613, ClinGen allele CA3444707.